The following is an entry in ClinVar:

ClinVar aggregate classification (germline): Uncertain significance (1 of 4 stars; one submission).

Submission:

Labcorp Genetics (formerly Invitae), Labcorp
Classification: Uncertain significance. Last evaluated: 2024-04-11. Review status: criteria provided, single submitter. Criteria: Invitae Variant Classification Sherloc (09022015). Collection method: clinical testing. Allele origin: germline.
Comment: This sequence change replaces threonine, which is neutral and polar, with lysine, which is basic and polar, at codon 1147 of the HSPG2 protein (p.Thr1147Lys). This variant is not present in population databases (gnomAD no frequency). This variant has not been reported in the literature in individuals affected with HSPG2-related conditions. An algorithm developed to predict the effect of missense changes on protein structure and function (PolyPhen-2) suggests that this variant is likely to be tolerated. In summary, the available evidence is currently insufficient to determine the role of this variant in disease. Therefore, it has been classified as a Variant of Uncertain Significance.

NM_005529.7(HSPG2):c.3440C>A (p.Thr1147Lys)

Gene: HSPG2 (heparan sulfate proteoglycan 2; minus strand). Cytogenetic location: 1p36.12.
Variant type: single nucleotide variant.
Coding change: c.3440C>A on transcript NM_005529.7 (MANE Select); coding-DNA position 3440, C replaced by A.
Protein change: p.Thr1147Lys; replaces threonine 1147 with lysine.
Molecular consequence: missense variant.
Genome position (GRCh38, 1-based): chr1:21,874,704, G>T on the plus strand (C>A on the coding strand, the complement: HSPG2 is on the minus strand). VCF-style: chr1-21874704-G-T. GRCh37 (hg19) VCF-style: chr1-22201197-G-T.
Other names: c.3443C>A, p.Thr1148Lys (NM_001291860.2); short protein forms T1147K, T1148K.
Identifiers: ClinVar variation 3649555 (VCV003649555.2).